The following is an entry in ClinVar:

NM_006231.4(POLE):c.2776G>C (p.Glu926Gln)

Gene: POLE (DNA polymerase epsilon, catalytic subunit; minus strand). Cytogenetic location: 12q24.33.
Variant type: single nucleotide variant.
Coding change: c.2776G>C on transcript NM_006231.4 (MANE Select); coding-DNA position 2776, G replaced by C.
Protein change: p.Glu926Gln; replaces glutamic acid 926 with glutamine.
Molecular consequence: missense variant.
Genome position (GRCh38, 1-based): chr12:132,661,615, C>G on the plus strand (G>C on the coding strand, the complement: POLE is on the minus strand). VCF-style: chr12-132661615-C-G. GRCh37 (hg19) VCF-style: chr12-133238201-C-G.
Other names: short protein forms E926Q.
Identifiers: ClinVar variation 4841498 (VCV004841498.1).

ClinVar aggregate classification (germline): Uncertain significance (1 of 4 stars; one submission).

Conditions:
Hereditary cancer-predisposing syndrome. Also called: Neoplastic Syndromes, Hereditary; Tumor predisposition; Hereditary Cancer Syndrome; Hereditary neoplastic syndrome. Identifiers: Orphanet 140162, MedGen C0027672, MeSH D009386, MONDO:0015356.

gnomAD v4.1: 1 of 1,614,190 alleles (0.000062%); highest among the groups gnomAD compares: Non-Finnish European, 0.000085%; no homozygotes.

Submission:

Ambry Genetics
Classification: Uncertain significance for Hereditary cancer-predisposing syndrome. Last evaluated: 2025-12-20. Review status: criteria provided, single submitter. Criteria: Ambry Variant Classification Scheme 2023. Collection method: clinical testing. Allele origin: germline.
Comment: The p.E926Q variant (also known as c.2776G>C), located in coding exon 24 of the POLE gene, results from a G to C substitution at nucleotide position 2776. The glutamic acid at codon 926 is replaced by glutamine, an amino acid with highly similar properties. This amino acid position is conserved. In addition, the in silico prediction for this alteration is inconclusive. Based on the available evidence, the clinical significance of this variant remains unclear.